The following is an entry in ClinVar:

NM_014915.3(ANKRD26):c.44C>G (p.Ser15Cys)

Genes: ANKRD26 (ankyrin repeat domain 26; minus strand), LOC130003554 (ATAC-STARR-seq lymphoblastoid silent region 2243; plus strand). Cytogenetic location: 10p12.1.
Variant type: single nucleotide variant.
Coding change: c.44C>G on transcript NM_014915.3 (MANE Select); coding-DNA position 44, C replaced by G.
Protein change: p.Ser15Cys; replaces serine 15 with cysteine.
Molecular consequence: missense variant.
Genome position (GRCh38, 1-based): chr10:27,100,283, G>C on the plus strand (C>G on the coding strand, the complement: ANKRD26 is on the minus strand). VCF-style: chr10-27100283-G-C. GRCh37 (hg19) VCF-style: chr10-27389212-G-C.
Other names: c.44C>G, p.Ser15Cys (NM_001256053.2); short protein forms S15C.
Identifiers: ClinVar variation 4842342 (VCV004842342.1).

ClinVar aggregate classification (germline): Uncertain significance (1 of 4 stars; one submission).

Conditions:
Inborn genetic diseases. Identifiers: MedGen C0950123, MeSH D030342.

Submission:

Ambry Genetics
Classification: Uncertain significance for Inborn genetic diseases. Last evaluated: 2025-12-24. Review status: criteria provided, single submitter. Criteria: Ambry Variant Classification Scheme 2023. Collection method: clinical testing. Allele origin: germline.
Comment: The p.S15C variant (also known as c.44C>G), located in coding exon 1 of the ANKRD26 gene, results from a C to G substitution at nucleotide position 44. The serine at codon 15 is replaced by cysteine, an amino acid with dissimilar properties. This amino acid position is conserved. In addition, this alteration is predicted to be tolerated by in silico analysis. Based on the available evidence, the clinical significance of this variant remains unclear.